The following is an entry in ClinVar:

ClinVar aggregate classification (germline): Benign. Review status: criteria provided, multiple submitters, no conflicts (2 of 4 stars). 2 submissions from 2 submitters: Benign (2). Last evaluated 2018-01-12.

Conditions:
Hypogonadotropic hypogonadism 7 with or without anosmia (HH7). Also called: HYPOGONADOTROPIC HYPOGONADISM 7 WITHOUT ANOSMIA; GNRHR-Related GnRH Deficiency. Identifiers: Orphanet 432, MedGen C0342384, MONDO:0007794, OMIM 146110.

Allele frequency attached by ClinVar (database versions not stated): gnomAD exomes 0.18250; 1000 Genomes Project 0.18550; 1000 Genomes Project 30x 0.19097; gnomAD 0.22875 and 0.23514; TOPMed 0.23285.

Submissions (2):

Illumina Laboratory Services, Illumina
Classification: Benign for Hypogonadotropic hypogonadism 7 with or without anosmia. Last evaluated: 2018-01-12. Review status: criteria provided, single submitter. Criteria: ICSL Variant Classification Criteria 13 December 2019. Collection method: clinical testing. Allele origin: germline.
Comment: This variant was observed in the ICSL laboratory as part of a predisposition screen in an ostensibly healthy population. It had not been previously curated by ICSL or reported in the Human Gene Mutation Database (HGMD: prior to June 1st, 2018), and was therefore a candidate for classification through an automated scoring system. Utilizing variant allele frequency, disease prevalence and penetrance estimates, and inheritance mode, an automated score was calculated to assess if this variant is too frequent to cause the disease. Based on the score and internal cut-off values, a variant classified as benign is not then subjected to further curation. The score for this variant resulted in a classification of benign for this disease.

Breakthrough Genomics
Classification: Benign. Review status: criteria provided, single submitter. Criteria: ACMG Guidelines, 2015. Collection method: not provided. Allele origin: germline. Inheritance: Autosomal recessive inheritance. Affected: yes.

NM_000406.3(GNRHR):c.*583A>G

Gene: GNRHR (gonadotropin releasing hormone receptor; minus strand). Cytogenetic location: 4q13.2.
Variant type: single nucleotide variant.
Coding change: c.*583A>G on transcript NM_000406.3 (MANE Select); 583 bases downstream of the stop codon, A replaced by G.
Molecular consequence: 3 prime UTR variant.
Genome position (GRCh38, 1-based): chr4:67,739,897, T>C on the plus strand (A>G on the coding strand, the complement: GNRHR is on the minus strand). VCF-style: chr4-67739897-T-C. GRCh37 (hg19) VCF-style: chr4-68605615-T-C.
Other names: c.*692A>G (NM_001012763.2).
Identifiers: ClinVar variation 349448 (VCV000349448.6), dbSNP rs35845954, ClinGen allele CA10619089.
Genomic context (GRCh38, chr4:67,739,897, plus strand): 5'-TGTACCACATAAATAGGATGAAGGAGAACTACTCATAGTCTTGTCAGGTTGCTGGAGTGG[T>C]TGGTGGGATTGGTTACTGACTCCTCCAAATGTCAGAATGCTTTTGAAGCCAAAGAGAAAA-3'